The following is an entry in ClinVar:

ClinVar aggregate classification (germline): Uncertain significance (1 of 4 stars; one submission).

gnomAD v4.1: 1 of 1,612,026 alleles (0.000062%); highest among the groups gnomAD compares: South Asian, 0.0011%; no homozygotes.

Submission:

Labcorp Genetics (formerly Invitae), Labcorp
Classification: Uncertain significance. Last evaluated: 2022-07-12. Review status: criteria provided, single submitter. Criteria: Invitae Variant Classification Sherloc (09022015). Collection method: clinical testing. Allele origin: germline.
Comment: Algorithms developed to predict the effect of missense changes on protein structure and function are either unavailable or do not agree on the potential impact of this missense change (SIFT: "Deleterious"; PolyPhen-2: "Probably Damaging"; Align-GVGD: "Class C0"). In summary, the available evidence is currently insufficient to determine the role of this variant in disease. Therefore, it has been classified as a Variant of Uncertain Significance. This variant is not present in population databases (gnomAD no frequency). This sequence change replaces cysteine, which is neutral and slightly polar, with tyrosine, which is neutral and polar, at codon 713 of the SLC12A1 protein (p.Cys713Tyr). This variant has not been reported in the literature in individuals affected with SLC12A1-related conditions.

NM_000338.3(SLC12A1):c.2138G>A (p.Cys713Tyr)

Gene: SLC12A1 (solute carrier family 12 member 1; plus strand). Cytogenetic location: 15q21.1.
Variant type: single nucleotide variant.
Coding change: c.2138G>A on transcript NM_000338.3 (MANE Select); coding-DNA position 2138, G replaced by A.
Protein change: p.Cys713Tyr; replaces cysteine 713 with tyrosine.
Molecular consequence: missense variant.
Genome position (GRCh38, 1-based): chr15:48,259,295, G>A. VCF-style: chr15-48259295-G-A. GRCh37 (hg19) VCF-style: chr15-48551492-G-A.
Other names: c.2138G>A, p.Cys713Tyr (NM_001184832.2, NM_001384136.1); short protein forms C713Y.
Identifiers: ClinVar variation 2016352 (VCV002016352.4), dbSNP rs1466297888, ClinGen allele CA392314185.